The following is an entry in ClinVar:

ClinVar aggregate classification (germline): Uncertain significance. Review status: criteria provided, multiple submitters, no conflicts (2 of 4 stars). 2 submissions from 2 submitters: Uncertain significance (2). Last evaluated 2025-04-29.

Conditions:
Inborn genetic diseases. Identifiers: MedGen C0950123, MeSH D030342.

Allele frequency attached by ClinVar (database versions not stated): ExAC 0.00002; ESP Exome Variant Server 0.00008.
gnomAD v4.1: 33 of 1,614,062 alleles (0.002%); highest among the groups gnomAD compares: Admixed American, 0.028%; no homozygotes.

Submissions (2):

Ambry Genetics
Classification: Uncertain significance for Inborn genetic diseases. Last evaluated: 2025-04-29. Review status: criteria provided, single submitter. Criteria: Ambry Variant Classification Scheme 2023. Collection method: clinical testing. Allele origin: germline.

Labcorp Genetics (formerly Invitae), Labcorp
Classification: Uncertain significance. Last evaluated: 2022-05-25. Review status: criteria provided, single submitter. Criteria: Invitae Variant Classification Sherloc (09022015). Collection method: clinical testing. Allele origin: germline.
Comment: In summary, the available evidence is currently insufficient to determine the role of this variant in disease. Therefore, it has been classified as a Variant of Uncertain Significance. Algorithms developed to predict the effect of missense changes on protein structure and function are either unavailable or do not agree on the potential impact of this missense change (SIFT: "Deleterious"; PolyPhen-2: "Probably Damaging"; Align-GVGD: "Class C0"). This sequence change replaces serine, which is neutral and polar, with threonine, which is neutral and polar, at codon 830 of the GRID2 protein (p.Ser830Thr). This variant is present in population databases (rs374041363, gnomAD 0.02%). This variant has not been reported in the literature in individuals affected with GRID2-related conditions.

NM_001510.4(GRID2):c.2489G>C (p.Ser830Thr)

Gene: GRID2 (glutamate ionotropic receptor delta type subunit 2; plus strand). Cytogenetic location: 4q22.2.
Variant type: single nucleotide variant.
Coding change: c.2489G>C on transcript NM_001510.4 (MANE Select); coding-DNA position 2489, G replaced by C.
Protein change: p.Ser830Thr; replaces serine 830 with threonine.
Molecular consequence: missense variant.
Genome position (GRCh38, 1-based): chr4:93,769,338, G>C. VCF-style: chr4-93769338-G-C. GRCh37 (hg19) VCF-style: chr4-94690489-G-C.
Other names: c.2204G>C, p.Ser735Thr (NM_001286838.1); c.2489G>C (NM_001510.2); short protein forms S830T, S735T.
Identifiers: ClinVar variation 1991000 (VCV001991000.5), dbSNP rs374041363, ClinGen allele CA3012563.
Genomic context (GRCh38, chr4:93,769,338, plus strand): 5'-AGTGTGACCTGTACTCGTCAGTGGACACAAAGCAGAAAGGAGGCGCCCTGGACATAAAGA[G>C]CTTTGCAGGGGTCTTTTGTATCCTGGCTGCTGGAATTGTCCTCTCCTGCTTCATAGCCAT-3'
Protein context (NP_001501.2, residues 820-840): KQKGGALDIK[Ser830Thr]FAGVFCILAA